The following is an entry in ClinVar:

ClinVar aggregate classification (germline): Likely pathogenic (1 of 4 stars; one submission).

Conditions:
Intellectual developmental disorder, X-linked 1. Also called: Atkin Flaitz Patil Smith syndrome; MENTAL RETARDATION, X-LINKED 18; MENTAL RETARDATION, X-LINKED 78; Intellectual disability, X-linked 1. Identifiers: Orphanet 777, MedGen C2931498, MONDO:0010656, OMIM 309530.

Submission:

Women's Health and Genetics/Laboratory Corporation of America, LabCorp
Classification: Likely pathogenic for Intellectual developmental disorder, X-linked 1. Last evaluated: 2026-03-06. Review status: criteria provided, single submitter. Criteria: LabCorp Variant Classification Summary - May 2015. Collection method: clinical testing. Allele origin: germline.
Comment: Variant summary: IQSEC2 c.4112dupA (p.Tyr1371X) results in a premature termination codon in the last exon and is predicted to cause a truncation of the encoded protein however, nonsense mediated decay is not expected to occur. The variant was absent in 1118694 control chromosomes. The available data on variant occurrences in the general population are insufficient to allow any conclusion about variant significance. To our knowledge, no occurrence of c.4112dupA in individuals affected with IQSEC2-related conditions and no experimental evidence demonstrating its impact on protein function have been reported. Additionally, c.4113C>G resulting in the same protein change (p.Y1371X) has been reported de novo in individuals with neurodevelopmental diseases (PMIDs: 33504798, 33057194, 35982159). No submitters have cited clinical-significance assessments for this variant to ClinVar. Based on the evidence outlined above, the variant was classified as likely pathogenic.

NM_001111125.3(IQSEC2):c.4112dup (p.Tyr1371Ter)

Gene: IQSEC2 (IQ motif and Sec7 domain ArfGEF 2; minus strand). Cytogenetic location: Xp11.22.
Variant type: Duplication.
Coding change: c.4112dup on transcript NM_001111125.3 (MANE Select); coding-DNA position 4112, one base duplicated (A; older notation c.4112dupA).
Protein change: p.Tyr1371Ter; replaces tyrosine 1371 with a stop codon.
Molecular consequence: nonsense. On other transcripts: 3 prime UTR variant (4), intron variant (2).
Genome position (GRCh38, 1-based): chrX:53,234,574, T duplicated on the plus strand (A on the coding strand, the reverse complement: IQSEC2 is on the minus strand). VCF-style (leftmost placement, unchanged base first): chrX-53234573-G-GT. GRCh37 (hg19) VCF-style: chrX-53263755-G-GT.
Other names: c.4112dupA (NM_001111125.3); c.*597dup (NM_001410736.1, NM_001441093.1, NM_001441094.1 and 1 more transcripts); c.3451+1748dup (NM_001441092.1); c.2740+1748dup (NM_001441095.1); short protein forms Y1371*.
Identifiers: ClinVar variation 4847435 (VCV004847435.1).
Genomic context (GRCh38, chrX:53,234,573, plus strand): 5'-GCTGAAGATGAAGTGCTTAGGGCCCTGTTTGTGGGCTGGAGGGTGCTGGGGGGCAGGACT[G>GT]TACAGGGGCAGTGGGGATGTGGGCTGGTGCAGGGGGTGGCGGCCATGTGGAGCAAACTGA-3'